The following is an entry in ClinVar:

NM_012123.4(MTO1):c.1637+16A>G

Gene: MTO1 (mitochondrial tRNA translation optimization 1; plus strand). Cytogenetic location: 6q13.
Variant type: single nucleotide variant.
Coding change: c.1637+16A>G on transcript NM_012123.4 (MANE Select); 16 bases into the intron after coding-DNA position 1637, A replaced by G.
Molecular consequence: intron variant.
Genome position (GRCh38, 1-based): chr6:73,482,636, A>G. VCF-style: chr6-73482636-A-G. GRCh37 (hg19) VCF-style: chr6-74192359-A-G.
Other names: c.1712+16A>G (NM_133645.3); c.1757+16A>G (NM_001123226.2).
Identifiers: ClinVar variation 512565 (VCV000512565.10), dbSNP rs201990339, ClinGen allele CA3889701.

ClinVar aggregate classification (germline): Benign/Likely benign. Review status: criteria provided, multiple submitters, no conflicts (2 of 4 stars). 3 submissions from 3 submitters: Benign (1); Likely benign (2). Last evaluated 2026-01-12.

Conditions:
Mitochondrial hypertrophic cardiomyopathy with lactic acidosis due to MTO1 deficiency. Also called: CARDIOMYOPATHY, INFANTILE HYPERTROPHIC MITOCHONDRIAL, AND LACTIC ACIDOSIS; Combined oxidative phosphorylation deficiency 10. Identifiers: Orphanet 314637, MedGen C4749921, MONDO:0013865, OMIM 614702.

Allele frequency attached by ClinVar (database versions not stated): 1000 Genomes Project 30x 0.00031; gnomAD 0.00034; gnomAD exomes 0.00056 and 0.00037; TOPMed 0.00039; 1000 Genomes Project 0.00040; ExAC 0.00049; ESP Exome Variant Server 0.00054.
gnomAD v4.1: 606 of 1,567,686 alleles (0.039%); highest among the groups gnomAD compares: East Asian, 0.058%; 2 homozygotes.

Submissions (3):

Labcorp Genetics (formerly Invitae), Labcorp
Classification: Benign for Mitochondrial hypertrophic cardiomyopathy with lactic acidosis due to MTO1 deficiency. Last evaluated: 2026-01-12. Review status: criteria provided, single submitter. Criteria: Invitae Variant Classification Sherloc (09022015). Collection method: clinical testing. Allele origin: germline.

Blueprint Genetics
Classification: Likely benign. Last evaluated: 2024-11-07. Review status: criteria provided, single submitter. Criteria: ACMG Guidelines, 2015. Collection method: clinical testing. Allele origin: germline.

GeneDx
Classification: Likely benign. Last evaluated: 2017-10-20. Review status: criteria provided, single submitter. Criteria: GeneDx Variant Classification (06012015). Collection method: clinical testing. Allele origin: germline. Affected: yes.
Comment: This variant is considered likely benign or benign based on one or more of the following criteria: it is a conservative change, it occurs at a poorly conserved position in the protein, it is predicted to be benign by multiple in silico algorithms, and/or has population frequency not consistent with disease.